The following is an entry in ClinVar:

ClinVar aggregate classification (germline): Uncertain significance. Review status: criteria provided, multiple submitters, no conflicts (2 of 4 stars). 2 submissions from 2 submitters: Uncertain significance (2). Last evaluated 2026-04-28.

Conditions:
Hereditary cancer-predisposing syndrome. Also called: Hereditary neoplastic syndrome; Neoplastic Syndromes, Hereditary; Tumor predisposition; Hereditary Cancer Syndrome. Identifiers: Orphanet 140162, MedGen C0027672, MeSH D009386, MONDO:0015356.
Parathyroid carcinoma (PRTC). Also called: CDC73-Related Parathyroid Carcinoma; Parathyroid gland carcinoma. Identifiers: Orphanet 143, MedGen C0687150, MONDO:0012004, OMIM 608266, HP:0006780.

Submissions (2):

Ambry Genetics
Classification: Uncertain significance for Hereditary cancer-predisposing syndrome. Last evaluated: 2026-04-28. Review status: criteria provided, single submitter. Criteria: Ambry Variant Classification Scheme 2023. Collection method: clinical testing. Allele origin: germline.
Comment: The p.Q437L variant (also known as c.1310A>T), located in coding exon 14 of the CDC73 gene, results from an A to T substitution at nucleotide position 1310. The glutamine at codon 437 is replaced by leucine, an amino acid with dissimilar properties. This amino acid position is conserved. In addition, the in silico prediction for this alteration is inconclusive. Based on the available evidence, the clinical significance of this variant remains unclear.

Labcorp Genetics (formerly Invitae), Labcorp
Classification: Uncertain significance for Parathyroid carcinoma. Last evaluated: 2020-08-31. Review status: criteria provided, single submitter. Criteria: Invitae Variant Classification Sherloc (09022015). Collection method: clinical testing. Allele origin: germline.
Comment: This sequence change replaces glutamine with leucine at codon 437 of the CDC73 protein (p.Gln437Leu). The glutamine residue is moderately conserved and there is a moderate physicochemical difference between glutamine and leucine. This variant is not present in population databases (ExAC no frequency). This variant has not been reported in the literature in individuals with CDC73-related conditions. Algorithms developed to predict the effect of missense changes on protein structure and function are either unavailable or do not agree on the potential impact of this missense change (SIFT: "Deleterious"; PolyPhen-2: "Benign"; Align-GVGD: "Class C0"). In summary, the available evidence is currently insufficient to determine the role of this variant in disease. Therefore, it has been classified as a Variant of Uncertain Significance.

NM_024529.5(CDC73):c.1310A>T (p.Gln437Leu)

Gene: CDC73 (cell division cycle 73; plus strand). Cytogenetic location: 1q31.2.
Variant type: single nucleotide variant.
Coding change: c.1310A>T on transcript NM_024529.5 (MANE Select); coding-DNA position 1310, A replaced by T.
Protein change: p.Gln437Leu; replaces glutamine 437 with leucine.
Molecular consequence: missense variant.
Genome position (GRCh38, 1-based): chr1:193,233,148, A>T. VCF-style: chr1-193233148-A-T. GRCh37 (hg19) VCF-style: chr1-193202278-A-T.
Other names: c.1310A>T (NM_024529.4); short protein forms Q437L.
Identifiers: ClinVar variation 1052176 (VCV001052176.10), dbSNP rs2102058489, ClinGen allele CA344078060.